The following is an entry in ClinVar:

ClinVar aggregate classification (germline): Likely pathogenic (1 of 4 stars; one submission).

Conditions:
Pseudohypoaldosteronism type 2E (PHA2E). Also called: Pseudohypoaldosteronism Type IIE. Identifiers: Orphanet 300530, Orphanet 757, MedGen C3469606, MONDO:0013782, OMIM 614496.
Neurodevelopmental disorder with or without autism or seizures (NEDAUS). Identifiers: MedGen C5543225, MONDO:0030994, OMIM 619239.

Submission:

Juno Genomics, Hangzhou Juno Genomics, Inc
Classification: Likely pathogenic for Neurodevelopmental disorder with or without autism or seizures; Pseudohypoaldosteronism type 2E. Review status: criteria provided, single submitter. Criteria: ACMG Guidelines, 2015. Collection method: clinical testing. Allele origin: germline. Affected: yes.
Comment: Absent from controls (or at extremely low frequency if recessive) in Genome Aggregation Database.;Null variant in a gene where loss of function (LOF) is a known mechanism of disease.

NM_003590.5(CUL3):c.540-2A>G

Gene: CUL3 (cullin 3; minus strand). Cytogenetic location: 2q36.2.
Variant type: single nucleotide variant.
Coding change: c.540-2A>G on transcript NM_003590.5 (MANE Select); the canonical splice acceptor site of the intron before coding-DNA position 540, A replaced by G.
Molecular consequence: splice acceptor variant.
Genome position (GRCh38, 1-based): chr2:224,513,640, T>C on the plus strand (A>G on the coding strand, the complement: CUL3 is on the minus strand). VCF-style: chr2-224513640-T-C. GRCh37 (hg19) VCF-style: chr2-225378357-T-C.
Other names: c.342-2A>G (NM_001257197.2); c.558-2A>G (NM_001257198.2).
Identifiers: ClinVar variation 5018721 (VCV005018721.1).
Genomic context (GRCh38, chr2:224,513,640, plus strand): 5'-CTGATCTTCCTTCGAGACCTAAAATCATTAACATCTGGCAAGCATTTCTTATTGCGCCTC[T>C]GTCGAAAAAAGTTATTATCACTTGATAATTAAATTACATTTAAAAATTCACATAAAAATT-3'